The following is an entry in ClinVar:

ClinVar aggregate classification (germline): Pathogenic/Likely pathogenic. Review status: criteria provided, multiple submitters, no conflicts (2 of 4 stars). 2 submissions from 2 submitters: Pathogenic (1); Likely pathogenic (1). Last evaluated 2026-01-19.

Conditions:
Mucolipidosis type II. Also called: Mucolipidosis 2; ML 2; Inclusion cell disease; Leroy Disease; N-acetylglucosamine 1phosphotransferase deficiency; ML disorder type 2. Identifiers: Orphanet 576, MedGen C2673377, MONDO:0009650, OMIM 252500.
Pseudo-Hurler polydystrophy. Also called: ML IIIA; Mucolipidosis III Alpha/Beta; MUCOLIPIDOSIS IIIA; ML III; ML III ALPHA/BETA; Type III Mucolipidosis. Identifiers: Orphanet 423461, Orphanet 577, MedGen C0033788, MONDO:0018931, OMIM 252600.

Submissions (2):

Natera, Inc.
Classification: Likely pathogenic for Mucolipidosis type II. Last evaluated: 2026-01-19. Review status: criteria provided, single submitter. Criteria: Natera Variant Classification Schema (03/2026). Collection method: clinical testing. Allele origin: germline.
Comment: The c.2498_2502del variant in GNPTAB is a frameshift variant predicted to shift the reading frame beginning at codon 833 and leads to a stop codon 27 codons downstream. This variant is expected to result in nonsense mediated decay, truncation, or a dysfunctional protein product. This variant is rare in the general population with a frequency below the threshold expected for the associated phenotype(s). Given the available evidence, this variant is classified as Likely Pathogenic.

Labcorp Genetics (formerly Invitae), Labcorp
Classification: Pathogenic for Pseudo-Hurler polydystrophy; Mucolipidosis type II. Last evaluated: 2025-12-08. Review status: criteria provided, single submitter. Criteria: Invitae Variant Classification Sherloc (09022015). Collection method: clinical testing. Allele origin: germline.
Comment: This sequence change creates a premature translational stop signal (p.Glu833Alafs*27) in the GNPTAB gene. It is expected to result in an absent or disrupted protein product. Loss-of-function variants in GNPTAB are known to be pathogenic (PMID: 19617216, 25107912). This variant is not present in population databases (gnomAD no frequency). This variant has not been reported in the literature in individuals affected with GNPTAB-related conditions. ClinVar contains an entry for this variant (Variation ID: 958050). For these reasons, this variant has been classified as Pathogenic.

Literature cited by the submitters: PubMed 19617216 (cited by Labcorp Genetics (formerly Invitae), Labcorp); PubMed 25107912 (cited by Labcorp Genetics (formerly Invitae), Labcorp).

NM_024312.5(GNPTAB):c.2498_2502del (p.Glu833fs)

Gene: GNPTAB (N-acetylglucosamine-1-phosphate transferase subunits alpha and beta; minus strand). Cytogenetic location: 12q23.2.
Variant type: Microsatellite.
Coding change: c.2498_2502del on transcript NM_024312.5 (MANE Select); coding-DNA positions 2498 to 2502, 5 bases deleted (AAAAG; older notation c.2498_2502delAAAAG).
Protein change: p.Glu833fs; shifts the reading frame from glutamic acid 833.
Molecular consequence: frameshift variant.
Genome position (GRCh38, 1-based): chr12:101,764,415-101,764,419, CTTTT deleted on the plus strand (AAAAG on the coding strand, the reverse complement: GNPTAB is on the minus strand); deleting any 5 consecutive bases within chr12:101,764,415-101,764,424 gives the same sequence; the c. name uses the placement nearest the transcript's 3' end. VCF-style (leftmost placement, unchanged base first): chr12-101764414-GCTTTT-G. GRCh37 (hg19) VCF-style: chr12-102158192-GCTTTT-G.
Other names: short protein forms E833fs.
Identifiers: ClinVar variation 958050 (VCV000958050.8), dbSNP rs1953053436, ClinGen allele CA2058955398.